The following is an entry in ClinVar:

NM_003331.5(TYK2):c.1576G>A (p.Val526Ile)

Gene: TYK2 (tyrosine kinase 2; minus strand). Cytogenetic location: 19p13.2.
Variant type: single nucleotide variant.
Coding change: c.1576G>A on transcript NM_003331.5 (MANE Select); coding-DNA position 1576, G replaced by A.
Protein change: p.Val526Ile; replaces valine 526 with isoleucine.
Molecular consequence: missense variant.
Genome position (GRCh38, 1-based): chr19:10,362,357, C>T on the plus strand (G>A on the coding strand, the complement: TYK2 is on the minus strand). VCF-style: chr19-10362357-C-T. GRCh37 (hg19) VCF-style: chr19-10473033-C-T.
Other names: short protein forms V526I.
Identifiers: ClinVar variation 892019 (VCV000892019.10), dbSNP rs758682935, ClinGen allele CA9193379.

ClinVar aggregate classification (germline): Uncertain significance. Review status: criteria provided, multiple submitters, no conflicts (2 of 4 stars). 3 submissions from 3 submitters: Uncertain significance (3). Last evaluated 2025-11-03.

Conditions:
Immunodeficiency 35 (IMD35). Also called: HIES WITH ATYPICAL MYCOBACTERIOSIS, AUTOSOMAL RECESSIVE; HYPER-IgE SYNDROME WITH ATYPICAL MYCOBACTERIOSIS, AUTOSOMAL RECESSIVE; TYK2 DEFICIENCY; Susceptibility to infection due to TYK2 deficiency. Identifiers: Orphanet 331226, MedGen C1969086, MONDO:0012682, OMIM 611521.
Inborn genetic diseases. Identifiers: MedGen C0950123, MeSH D030342.

Allele frequency attached by ClinVar (database versions not stated): TOPMed 0.00002; gnomAD 0.00003 and 0.00006; gnomAD exomes 0.00010 and 0.00016; ExAC 0.00025.
gnomAD v4.1: 156 of 1,614,142 alleles (0.0097%); highest among the groups gnomAD compares: South Asian, 0.13%; 3 homozygotes.

Submissions (3):

Ambry Genetics
Classification: Uncertain significance for Inborn genetic diseases. Last evaluated: 2025-11-03. Review status: criteria provided, single submitter. Criteria: Ambry Variant Classification Scheme 2023. Collection method: clinical testing. Allele origin: germline.

Labcorp Genetics (formerly Invitae), Labcorp
Classification: Uncertain significance for Immunodeficiency 35. Last evaluated: 2022-02-10. Review status: criteria provided, single submitter. Criteria: Invitae Variant Classification Sherloc (09022015). Collection method: clinical testing. Allele origin: germline.
Comment: This sequence change replaces valine, which is neutral and non-polar, with isoleucine, which is neutral and non-polar, at codon 526 of the TYK2 protein (p.Val526Ile). This variant is present in population databases (rs758682935, gnomAD 0.1%). This variant has not been reported in the literature in individuals affected with TYK2-related conditions. ClinVar contains an entry for this variant (Variation ID: 892019). Algorithms developed to predict the effect of missense changes on protein structure and function output the following: SIFT: "Not Available"; PolyPhen-2: "Benign"; Align-GVGD: "Not Available". The isoleucine amino acid residue is found in multiple mammalian species, which suggests that this missense change does not adversely affect protein function. In summary, the available evidence is currently insufficient to determine the role of this variant in disease. Therefore, it has been classified as a Variant of Uncertain Significance.

Illumina Laboratory Services, Illumina
Classification: Uncertain significance for Immunodeficiency 35. Last evaluated: 2017-04-27. Review status: criteria provided, single submitter. Criteria: ICSL Variant Classification Criteria 13 December 2019. Collection method: clinical testing. Allele origin: germline.